The following is an entry in ClinVar:

ClinVar aggregate classification (germline): Uncertain significance (1 of 4 stars; one submission).

Conditions:
Hereditary spastic paraplegia 4. Also called: Familial spastic paraplegia autosomal dominant 2; Spastic paraplegia 4, autosomal dominant; Spastic Paraplegia 4. Identifiers: Orphanet 100985, MedGen C1866855, MONDO:0008438, OMIM 182601.

Allele frequency attached by ClinVar (database versions not stated): gnomAD 0.00001.
gnomAD v4.1: 6 of 1,601,054 alleles (0.00037%); highest among the groups gnomAD compares: Admixed American, 0.0052%; no homozygotes.

Submission:

Labcorp Genetics (formerly Invitae), Labcorp
Classification: Uncertain significance for Hereditary spastic paraplegia 4. Last evaluated: 2025-08-04. Review status: criteria provided, single submitter. Criteria: Invitae Variant Classification Sherloc (09022015). Collection method: clinical testing. Allele origin: germline.
Comment: This sequence change replaces glycine, which is neutral and non-polar, with arginine, which is basic and polar, at codon 94 of the SPAST protein (p.Gly94Arg). This variant is present in population databases (no rsID available, gnomAD no frequency). This variant has not been reported in the literature in individuals affected with SPAST-related conditions. ClinVar contains an entry for this variant (Variation ID: 1385194). Invitae Evidence Modeling of protein sequence and biophysical properties (such as structural, functional, and spatial information, amino acid conservation, physicochemical variation, residue mobility, and thermodynamic stability) indicates that this missense variant is not expected to disrupt SPAST protein function with a negative predictive value of 95%. In summary, the available evidence is currently insufficient to determine the role of this variant in disease. Therefore, it has been classified as a Variant of Uncertain Significance.

NM_014946.4(SPAST):c.280G>C (p.Gly94Arg)

Gene: SPAST (spastin; plus strand). Cytogenetic location: 2p22.3.
Variant type: single nucleotide variant.
Coding change: c.280G>C on transcript NM_014946.4 (MANE Select); coding-DNA position 280, G replaced by C.
Protein change: p.Gly94Arg; replaces glycine 94 with arginine.
Molecular consequence: missense variant.
Genome position (GRCh38, 1-based): chr2:32,064,111, G>C. VCF-style: chr2-32064111-G-C. GRCh37 (hg19) VCF-style: chr2-32289180-G-C.
Other names: c.280G>C, p.Gly94Arg (NM_001363823.2, NM_001363875.2, NM_001377959.1 and 1 more transcripts); short protein forms G94R.
Identifiers: ClinVar variation 1385194 (VCV001385194.5), dbSNP rs750218565, ClinGen allele CA45201401.
Genomic context (GRCh38, chr2:32,064,111, plus strand): 5'-CTCTTCGTGTGGCTCTGCCAGCGCTTCTCCCGCGCCCTCATGGCAGCCAAGAGGAGCTCC[G>C]GGGCCGCGCCAGCACCTGCCTCGGCCTCGGCCCCGGCGCCGGTGCCGGGCGGCGAGGCCG-3'
Protein context (NP_055761.2, residues 84-104): RALMAAKRSS[Gly94Arg]AAPAPASASA